The following is an entry in ClinVar:

NM_018429.3(BDP1):c.5011G>A (p.Val1671Ile)

Gene: BDP1 (BDP1 general transcription factor IIIB subunit; plus strand). Cytogenetic location: 5q13.2.
Variant type: single nucleotide variant.
Coding change: c.5011G>A on transcript NM_018429.3 (MANE Select); coding-DNA position 5011, G replaced by A.
Protein change: p.Val1671Ile; replaces valine 1671 with isoleucine.
Molecular consequence: missense variant.
Genome position (GRCh38, 1-based): chr5:71,522,308, G>A. VCF-style: chr5-71522308-G-A. GRCh37 (hg19) VCF-style: chr5-70818135-G-A.
Other names: short protein forms V1671I.
Identifiers: ClinVar variation 4204285 (VCV004204285.2).

ClinVar aggregate classification (germline): Uncertain significance. Review status: criteria provided, multiple submitters, no conflicts (2 of 4 stars). 2 submissions from 2 submitters: Uncertain significance (2). Last evaluated 2025-11-18.

Conditions:
BDP1-related disorder. Also called: BDP1-related condition.

gnomAD v4.1: 1 of 1,613,362 alleles (0.000062%); highest among the groups gnomAD compares: Admixed American, 0.0017%; no homozygotes.

Submissions (2):

PreventionGenetics, part of Exact Sciences
Classification: Uncertain significance for BDP1-related condition. Last evaluated: 2025-11-18. Review status: criteria provided, single submitter. Criteria: ACMG Guidelines, 2015. Collection method: clinical testing. Allele origin: germline.
Comment: The BDP1 c.5011G>A variant is predicted to result in the amino acid substitution p.Val1671Ile. To our knowledge, this variant has not been reported in the literature. This variant is reported in 0.0029% of alleles in individuals of Latino descent in gnomAD. At this time, the clinical significance of this variant is uncertain due to the absence of conclusive functional and genetic evidence.

Ambry Genetics
Classification: Uncertain significance. Last evaluated: 2025-07-12. Review status: criteria provided, single submitter. Criteria: Ambry Variant Classification Scheme 2023. Collection method: clinical testing. Allele origin: germline.